The following continues an entry in ClinVar:

NM_000500.7(CYP21A2):c.955C>T (p.Gln319Ter)

ClinVar aggregate classification (germline): Pathogenic. Pathogenic (25).

Submission 33 of 33:

Lifecell International Pvt. Ltd
Classification: Pathogenic for 21-Hydroxylase-Deficient Congenital Adrenal Hyperplasia. Review status: no assertion criteria provided. Collection method: clinical testing. Allele origin: germline. Inheritance: Autosomal recessive inheritance. Affected: yes. Observed: 1 variant allele, 1 homozygote. Not counted in ClinVar's aggregate classification.
Comment: The variant in exon 8 of the CYP21A2 gene c.955C>T;p.Gln319Ter (NM_000500.7) also know as Q318*. The reference base is conserved across the species and in-silico predictions by Polyphen and SIFT are damaging. The observed variant has a minor allele frequency of 0.4% in gnomAD database and not reported in 1000 genome database. The reference base is conserved across the species and in-silico predictions by CADD is deleterious. The gene CYP21A2 has a low rate of benign loss of function variants as indicated by a high LoF variants Z-Score of 2.86. The p.Gln319Ter variant is a loss of function variant in the gene CYP21A2, which is intolerant of Loss of Function variants, as indicated by the presence of existing pathogenic loss of function variant NP_000491.4:p.Trp20Ter and 4 others. There is another pathogenic loss of function variant 165 residues downstream of the variant p.Gln319Ter. This variant has previously been reported for adrenal hyperplasia by Doleschall M et al.,2017-PMID: 28401898; Concolino P. et al., 2020-PMID: 32185686; Kharrat M et al., 2004- PMID: 21532487 and Globerman H et al., 1988-PMID: 3267225).

Literature cited by the submitters: PubMed 3267225 (cited by 10 submitters); PubMed 28392195 (cited by 4 submitters); PubMed 26209023 (cited by 3 submitters); PubMed 26804566 (cited by 6 submitters); PubMed 15858147 (cited by Athena Diagnostics and Quest Diagnostics Nichols Institute San Juan Capistrano); PubMed 28401898 (cited by Athena Diagnostics and Quest Diagnostics Nichols Institute San Juan Capistrano); PubMed 32185686 (cited by Athena Diagnostics and Quest Diagnostics Nichols Institute San Juan Capistrano); PubMed 30995443 (cited by 4 submitters); PubMed 30889569 (cited by Athena Diagnostics and Quest Diagnostics Nichols Institute San Juan Capistrano); PubMed 30048636 (cited by Athena Diagnostics and Quest Diagnostics Nichols Institute San Juan Capistrano); PubMed 29386111 (cited by Athena Diagnostics and Quest Diagnostics Nichols Institute San Juan Capistrano); PubMed 15101044 (cited by Athena Diagnostics and Quest Diagnostics Nichols Institute San Juan Capistrano); PubMed 34540367 (cited by 3 submitters); PubMed 33715135 (cited by 3 submitters); PubMed 8034294 (cited by Athena Diagnostics and Quest Diagnostics Nichols Institute San Juan Capistrano); PubMed 12384784 (cited by Athena Diagnostics and Quest Diagnostics Nichols Institute San Juan Capistrano); PubMed 19773403 (cited by 3 submitters); PubMed 23269230 (cited by Athena Diagnostics and Quest Diagnostics Nichols Institute San Juan Capistrano); PubMed 21532487 (cited by 3 submitters); PubMed 23769969 (cited by 4 submitters); PubMed 25538881 (cited by 4 submitters); PubMed 23359698 (cited by 7 submitters); PubMed 25525159 (cited by 3 submitters); PubMed 31586465 (cited by Victorian Clinical Genetics Services, Murdoch Childrens Research Institute and AiLife Diagnostics); PubMed 32616876 (cited by Victorian Clinical Genetics Services, Murdoch Childrens Research Institute); PubMed 23142378 (cited by Pittsburgh Clinical Genomics Laboratory, University of Pittsburgh Medical Center); PubMed 31446012 (cited by Pittsburgh Clinical Genomics Laboratory, University of Pittsburgh Medical Center and AiLife Diagnostics); PubMed 10857554 (cited by Labcorp Genetics (formerly Invitae), Labcorp); PubMed 31571129 (cited by AiLife Diagnostics); PubMed 17164306 (cited by AiLife Diagnostics); PubMed 33083013 (cited by AiLife Diagnostics); PubMed 33710594 (cited by AiLife Diagnostics); PubMed 30833958 (cited by AiLife Diagnostics); PubMed 32647925 (cited by AiLife Diagnostics); PubMed 10908170 (cited by AiLife Diagnostics); PubMed 32903448 (cited by AiLife Diagnostics); PubMed 28644547 (cited by AiLife Diagnostics); PubMed 31980526 (cited by AiLife Diagnostics); PubMed 10408786 (cited by AiLife Diagnostics); PubMed 31637888 (cited by AiLife Diagnostics); PubMed 11220701 (cited by AiLife Diagnostics); PubMed 32272826 (cited by AiLife Diagnostics); PubMed 32367404 (cited by AiLife Diagnostics); PubMed 25481255 (cited by AiLife Diagnostics); PubMed 32714392 (cited by AiLife Diagnostics); PubMed 9378109 (cited by AiLife Diagnostics); PubMed 8741909 (cited by AiLife Diagnostics); PubMed 31159521 (cited by AiLife Diagnostics); PubMed 33240318 (cited by AiLife Diagnostics); PubMed 32358738 (cited by Women's Health and Genetics/Laboratory Corporation of America, LabCorp); PubMed 20301350 (cited by Dasa and GeneReviews); PubMed 12220458 (cited by Dasa and OMIM); PubMed 29715434 (cited by Dasa); PubMed 28819757 (cited by Dasa); PubMed 14715874 (cited by Myriad Genetics, Inc.); NCBI Bookshelf NBK1171 (cited by GeneReviews).